The following is an entry in ClinVar:

NM_006005.3(WFS1):c.1708C>G (p.Leu570Val)

Gene: WFS1 (wolframin ER transmembrane glycoprotein; plus strand). Cytogenetic location: 4p16.1.
Variant type: single nucleotide variant.
Coding change: c.1708C>G on transcript NM_006005.3 (MANE Select); coding-DNA position 1708, C replaced by G.
Protein change: p.Leu570Val; replaces leucine 570 with valine.
Molecular consequence: missense variant.
Genome position (GRCh38, 1-based): chr4:6,301,503, C>G. VCF-style: chr4-6301503-C-G. GRCh37 (hg19) VCF-style: chr4-6303230-C-G.
Other names: c.1708C>G, p.Leu570Val (NM_001145853.1); short protein forms L570V.
Identifiers: ClinVar variation 2707882 (VCV002707882.4), dbSNP rs1316644454, ClinGen allele CA356176599.

ClinVar aggregate classification (germline): Uncertain significance. Review status: criteria provided, multiple submitters, no conflicts (2 of 4 stars). 2 submissions from 2 submitters: Uncertain significance (2). Last evaluated 2026-04-02.

Conditions:
WFS1-related disorder. Identifiers: MedGen CN379391, MONDO:0700293.

Allele frequency attached by ClinVar (database versions not stated): TOPMed below 0.00001; gnomAD 0.00001.
gnomAD v4.1: 4 of 1,613,436 alleles (0.00025%); highest among the groups gnomAD compares: Non-Finnish European, 0.00034%; no homozygotes.

Submissions (2):

PreventionGenetics, part of Exact Sciences
Classification: Uncertain significance for WFS1-related condition. Last evaluated: 2026-04-02. Review status: criteria provided, single submitter. Criteria: ACMG Guidelines, 2015. Collection method: clinical testing. Allele origin: germline.
Comment: The WFS1 c.1708C>G variant is predicted to result in the amino acid substitution p.Leu570Val. To our knowledge, this variant has not been reported in the literature or in a large population database (gnomAD), indicating this variant is rare. At this time, the clinical significance of this variant is uncertain due to the absence of conclusive functional and genetic evidence.

Labcorp Genetics (formerly Invitae), Labcorp
Classification: Uncertain significance. Last evaluated: 2023-01-16. Review status: criteria provided, single submitter. Criteria: Invitae Variant Classification Sherloc (09022015). Collection method: clinical testing. Allele origin: germline.
Comment: Advanced modeling of protein sequence and biophysical properties (such as structural, functional, and spatial information, amino acid conservation, physicochemical variation, residue mobility, and thermodynamic stability) performed at Invitae indicates that this missense variant is not expected to disrupt WFS1 protein function. In summary, the available evidence is currently insufficient to determine the role of this variant in disease. Therefore, it has been classified as a Variant of Uncertain Significance. This variant has not been reported in the literature in individuals affected with WFS1-related conditions. This sequence change replaces leucine, which is neutral and non-polar, with valine, which is neutral and non-polar, at codon 570 of the WFS1 protein (p.Leu570Val). This variant is not present in population databases (gnomAD no frequency).